The following is an entry in ClinVar:

NM_004655.4(AXIN2):c.304G>A (p.Glu102Lys)

Gene: AXIN2 (axin 2; minus strand). Cytogenetic location: 17q24.1.
Variant type: single nucleotide variant.
Coding change: c.304G>A on transcript NM_004655.4 (MANE Select); coding-DNA position 304, G replaced by A.
Protein change: p.Glu102Lys; replaces glutamic acid 102 with lysine.
Molecular consequence: missense variant.
Genome position (GRCh38, 1-based): chr17:65,558,317, C>T on the plus strand (G>A on the coding strand, the complement: AXIN2 is on the minus strand). VCF-style: chr17-65558317-C-T. GRCh37 (hg19) VCF-style: chr17-63554435-C-T.
Other names: c.304G>A, p.Glu102Lys (NM_001363813.1); short protein forms E102K.
Identifiers: ClinVar variation 943881 (VCV000943881.12), dbSNP rs769104629, ClinGen allele CA8719068.

ClinVar aggregate classification (germline): Uncertain significance. Review status: criteria provided, multiple submitters, no conflicts (2 of 4 stars). 2 submissions from 2 submitters: Uncertain significance (2). Last evaluated 2025-10-29.

Conditions:
Hereditary cancer-predisposing syndrome. Also called: Neoplastic Syndromes, Hereditary; Hereditary Cancer Syndrome; Tumor predisposition; Hereditary neoplastic syndrome. Identifiers: Orphanet 140162, MedGen C0027672, MeSH D009386, MONDO:0015356.
Oligodontia-cancer predisposition syndrome. Also called: TOOTH AGENESIS-COLORECTAL CANCER SYNDROME. Identifiers: Orphanet 300576, MedGen C1837750, MONDO:0012075, OMIM 608615. Disease mechanism: loss of function.

Allele frequency attached by ClinVar (database versions not stated): TOPMed below 0.00001; gnomAD exomes 0.00001; ExAC 0.00002.

Submissions (2):

Labcorp Genetics (formerly Invitae), Labcorp
Classification: Uncertain significance for Oligodontia-cancer predisposition syndrome. Last evaluated: 2025-10-29. Review status: criteria provided, single submitter. Criteria: Invitae Variant Classification Sherloc (09022015). Collection method: clinical testing. Allele origin: germline.
Comment: This sequence change replaces glutamic acid, which is acidic and polar, with lysine, which is basic and polar, at codon 102 of the AXIN2 protein (p.Glu102Lys). This variant is present in population databases (rs769104629, gnomAD 0.006%). This variant has not been reported in the literature in individuals affected with AXIN2-related conditions. ClinVar contains an entry for this variant (Variation ID: 943881). Invitae Evidence Modeling of protein sequence and biophysical properties (such as structural, functional, and spatial information, amino acid conservation, physicochemical variation, residue mobility, and thermodynamic stability) indicates that this missense variant is expected to disrupt AXIN2 protein function with a positive predictive value of 80%. In summary, the available evidence is currently insufficient to determine the role of this variant in disease. Therefore, it has been classified as a Variant of Uncertain Significance.

Ambry Genetics
Classification: Uncertain significance for Hereditary cancer-predisposing syndrome. Last evaluated: 2023-11-15. Review status: criteria provided, single submitter. Criteria: Ambry Variant Classification Scheme 2023. Collection method: clinical testing. Allele origin: germline.
Comment: The p.E102K variant (also known as c.304G>A), located in coding exon 1 of the AXIN2 gene, results from a G to A substitution at nucleotide position 304. The glutamic acid at codon 102 is replaced by lysine, an amino acid with similar properties. This amino acid position is well conserved in available vertebrate species. In addition, this alteration is predicted to be tolerated by in silico analysis. Since supporting evidence is limited at this time, the clinical significance of this alteration remains unclear.